The following is an entry in ClinVar:

ClinVar aggregate classification (germline): Pathogenic (1 of 4 stars; one submission).

Submission:

Labcorp Genetics (formerly Invitae), Labcorp
Classification: Pathogenic. Last evaluated: 2025-06-24. Review status: criteria provided, single submitter. Criteria: Invitae Variant Classification Sherloc (09022015). Collection method: clinical testing. Allele origin: germline.
Comment: This sequence change creates a premature translational stop signal (p.Lys1115Glufs*8) in the POLE gene. It is expected to result in an absent or disrupted protein product. Loss-of-function variants in POLE are known to be pathogenic (PMID: 23230001, 25948378, 30503519). This variant is not present in population databases (gnomAD no frequency). This variant has not been reported in the literature in individuals affected with POLE-related conditions. Algorithms developed to predict the effect of sequence changes on RNA splicing suggest that this variant may disrupt the consensus splice site. For these reasons, this variant has been classified as Pathogenic.

Literature cited by the submitters: PubMed 23230001; PubMed 25948378; PubMed 30503519.

NM_006231.4(POLE):c.3342_3343del (p.Lys1115fs)

Gene: POLE (DNA polymerase epsilon, catalytic subunit; minus strand). Cytogenetic location: 12q24.33.
Variant type: Deletion.
Coding change: c.3342_3343del on transcript NM_006231.4 (MANE Select); coding-DNA positions 3342 to 3343, 2 bases deleted (CA; older notation c.3342_3343delCA).
Protein change: p.Lys1115fs; shifts the reading frame from lysine 1115.
Molecular consequence: frameshift variant.
Genome position (GRCh38, 1-based): chr12:132,657,903-132,657,904, TG deleted on the plus strand (CA on the coding strand, the reverse complement: POLE is on the minus strand). VCF-style (leftmost placement, unchanged base first): chr12-132657902-TTG-T. GRCh37 (hg19) VCF-style: chr12-133234488-TTG-T.
Other names: short protein forms K1115fs.
Identifiers: ClinVar variation 4721820 (VCV004721820.1).